The following is an entry in ClinVar:

NM_139284.3(LGI4):c.550G>A (p.Ala184Thr)

Gene: LGI4 (leucine rich repeat LGI family member 4; minus strand). Cytogenetic location: 19q13.12.
Variant type: single nucleotide variant.
Coding change: c.550G>A on transcript NM_139284.3 (MANE Select); coding-DNA position 550, G replaced by A.
Protein change: p.Ala184Thr; replaces alanine 184 with threonine.
Molecular consequence: missense variant.
Genome position (GRCh38, 1-based): chr19:35,131,464, C>T on the plus strand (G>A on the coding strand, the complement: LGI4 is on the minus strand). VCF-style: chr19-35131464-C-T. GRCh37 (hg19) VCF-style: chr19-35622368-C-T.
Other names: short protein forms A184T.
Identifiers: ClinVar variation 4872084 (VCV004872084.2).

ClinVar aggregate classification (germline): Likely benign (1 of 4 stars; one submission).

gnomAD v4.1: 494 of 1,551,516 alleles (0.032%); highest among the groups gnomAD compares: East Asian, 1.1%; no homozygotes.

Submission:

CeGaT Center for Human Genetics Tuebingen
Classification: Likely benign. Last evaluated: 2026-04-01. Review status: criteria provided, single submitter. Criteria: CeGaT Center For Human Genetics Tuebingen Variant Classification Criteria Version 2. Collection method: clinical testing. Allele origin: germline. Affected: yes. Observed: 1 variant allele.
Comment: LGI4: BP4, BS1